The following is an entry in ClinVar:

ClinVar aggregate classification (germline): Uncertain significance (1 of 4 stars; one submission).

Conditions:
Ehlers-Danlos syndrome, type 4 (EDSVASC). Also called: Ehlers-Danlos Syndrome Type IV; Ehlers-Danlos syndrome vascular type; Ehlers Danlos syndrome, ecchymotic type; Ehlers Danlos syndrome, arterial type; Ehlers Danlos syndrome, Sack-Barabas type. Identifiers: Orphanet 286, MedGen C0268338, MONDO:0017314, OMIM 130050.

Submission:

All of Us Research Program, National Institutes of Health
Classification: Uncertain significance for Ehlers-Danlos syndrome, type 4. Last evaluated: 2023-02-24. Review status: criteria provided, single submitter. Criteria: ACMG Guidelines, 2015. Collection method: clinical testing. Allele origin: germline. Inheritance: Autosomal dominant inheritance. Observed: 1 variant allele, 1 heterozygote.
Comment: This variant causes an A to C nucleotide substitution at the -12 position of intron 38 of the COL3A1 gene. To our knowledge, functional studies have not been reported for this variant. This variant has not been reported in individuals affected with COL3A1-related disorders in the literature. This variant has not been identified in the general population by the Genome Aggregation Database (gnomAD). The available evidence is insufficient to determine the role of this variant in disease conclusively. Therefore, this variant is classified as a Variant of Uncertain Significance.

This study involves interpretation of variants in research participants for the purpose of population health screening. Participant phenotype was not available at the time of variant classification. Additional details can be found in publication PMID: 35346344, PMCID: PMC8962531

NM_000090.4(COL3A1):c.2662-12A>C

Gene: COL3A1 (collagen type III alpha 1 chain; plus strand). Cytogenetic location: 2q32.2.
Variant type: single nucleotide variant.
Coding change: c.2662-12A>C on transcript NM_000090.4 (MANE Select); 12 bases into the intron before coding-DNA position 2662, A replaced by C.
Molecular consequence: intron variant.
Genome position (GRCh38, 1-based): chr2:189,003,970, A>C. VCF-style: chr2-189003970-A-C. GRCh37 (hg19) VCF-style: chr2-189868696-A-C.
Identifiers: ClinVar variation 3069592 (VCV003069592.1), dbSNP rs2469153235, ClinGen allele CA2825001056.